The following is an entry in ClinVar:

ClinVar aggregate classification (germline): Likely benign. Review status: criteria provided, multiple submitters, no conflicts (2 of 4 stars). 4 submissions from 4 submitters: Likely benign (4). Last evaluated 2026-04-01.

Conditions:
Familial cold autoinflammatory syndrome 3 (FCAS3). Also called: FAMILIAL ATYPICAL COLD URTICARIA; ANTIBODY DEFICIENCY AND IMMUNE DYSREGULATION, PLCG2-ASSOCIATED. Identifiers: Orphanet 300359, MedGen C3280914, MONDO:0013766, OMIM 614468.
Inborn genetic diseases. Identifiers: MedGen C0950123, MeSH D030342.

Allele frequency attached by ClinVar (database versions not stated): TOPMed 0.00002; 1000 Genomes Project 30x 0.00016; 1000 Genomes Project 0.00020.
gnomAD v4.1: 42 of 1,614,050 alleles (0.0026%); highest among the groups gnomAD compares: Admixed American, 0.0067%; no homozygotes.

Submissions (4):

CeGaT Center for Human Genetics Tuebingen
Classification: Likely benign. Last evaluated: 2026-04-01. Review status: criteria provided, single submitter. Criteria: CeGaT Center For Human Genetics Tuebingen Variant Classification Criteria Version 2. Collection method: clinical testing. Allele origin: germline. Affected: yes. Observed: 2 variant alleles.
Comment: PLCG2: BP4, BP7

Labcorp Genetics (formerly Invitae), Labcorp
Classification: Likely benign for Familial cold autoinflammatory syndrome 3. Last evaluated: 2025-09-15. Review status: criteria provided, single submitter. Criteria: Invitae Variant Classification Sherloc (09022015). Collection method: clinical testing. Allele origin: germline.

Ambry Genetics
Classification: Likely benign for Inborn genetic diseases. Last evaluated: 2024-11-26. Review status: criteria provided, single submitter. Criteria: Ambry Variant Classification Scheme 2023. Collection method: clinical testing. Allele origin: germline.

Blueprint Genetics
Classification: Likely benign. Last evaluated: 2022-11-22. Review status: criteria provided, single submitter. Criteria: ACMG Guidelines, 2015. Collection method: clinical testing. Allele origin: germline.

NM_002661.5(PLCG2):c.2202C>T (p.Pro734=)

Gene: PLCG2 (phospholipase C gamma 2; plus strand). Cytogenetic location: 16q23.3.
Variant type: single nucleotide variant.
Coding change: c.2202C>T on transcript NM_002661.5 (MANE Select); coding-DNA position 2202, C replaced by T.
Protein change: p.Pro734=; no amino-acid change (proline 734 retained).
Molecular consequence: synonymous variant.
Genome position (GRCh38, 1-based): chr16:81,919,631, C>T. VCF-style: chr16-81919631-C-T. GRCh37 (hg19) VCF-style: chr16-81953236-C-T.
Other names: c.2202C>T (NM_002661.3).
Identifiers: ClinVar variation 493192 (VCV000493192.52), dbSNP rs200025641, ClinGen allele CA8194114.
Genomic context (GRCh38, chr16:81,919,631, plus strand): 5'-GGAGCTCGTCAGTTACTACGAGAAGCATTCACTCTACCGAAAGATGAGACTGCGCTACCC[C>T]GTGACCCCCGAGCTCCTGGAGCGCTACAATATGGTAGGTGGTGGACTCCCTTGTGATTTG-3'
Protein context (NP_002652.2, residues 724-744): SLYRKMRLRY[Pro734=]VTPELLERYN